The following is an entry in ClinVar:

ClinVar aggregate classification (germline): Uncertain significance. Review status: criteria provided, multiple submitters, no conflicts (2 of 4 stars). 2 submissions from 2 submitters: Uncertain significance (2). Last evaluated 2025-09-04.

Conditions:
DST-related disorder. Also called: DST-related disorders; DST-related condition.
Hereditary sensory and autonomic neuropathy type 6. Also called: Neuropathy, hereditary sensory and autonomic, type VI; HSAN VI. Identifiers: Orphanet 314381, MedGen C3539003, MONDO:0013839, OMIM 614653.
Epidermolysis bullosa simplex 3, localized or generalized intermediate, with BP230 deficiency (EBS3). Also called: Epidermolysis bullosa simplex, autosomal recessive 2; Epidermolysis bullosa simplex due to BP230 deficiency. Identifiers: Orphanet 412181, MedGen C3809470, MONDO:0014180, OMIM 615425.

Allele frequency attached by ClinVar (database versions not stated): ExAC 0.00001; gnomAD 0.00001; gnomAD exomes 0.00001.
gnomAD v4.1: 19 of 1,614,076 alleles (0.0012%); highest among the groups gnomAD compares: Non-Finnish European, 0.0014%; no homozygotes.

Submissions (2):

PreventionGenetics, part of Exact Sciences
Classification: Uncertain significance for DST-related condition. Last evaluated: 2025-09-04. Review status: criteria provided, single submitter. Criteria: ACMG Guidelines, 2015. Collection method: clinical testing. Allele origin: germline.
Comment: The DST c.5179A>T variant is predicted to result in the amino acid substitution p.Thr1727Ser. This variant is being reported with NM_001723, which is the epithelial specific isoform of DST. Of note, in the neuronal specific isoform (NM_001144769) this variant is referred to as c.4831-4371A>T and may not be clinically relevant for a DST-neuropathy phenotype. To our knowledge, this variant has not been reported in the literature. This variant is reported in 0.0031% of alleles in individuals of European (non-Finnish) descent in gnomAD. At this time, the clinical significance of this variant is uncertain due to the absence of conclusive functional and genetic evidence.

Labcorp Genetics (formerly Invitae), Labcorp
Classification: Uncertain significance for Epidermolysis bullosa simplex 3, localized or generalized intermediate, with BP230 deficiency; Hereditary sensory and autonomic neuropathy type 6. Last evaluated: 2024-01-06. Review status: criteria provided, single submitter. Criteria: Invitae Variant Classification Sherloc (09022015). Collection method: clinical testing. Allele origin: germline.
Comment: This sequence change replaces threonine, which is neutral and polar, with serine, which is neutral and polar, at codon 1727 of the DST protein (p.Thr1727Ser). This variant is present in population databases (no rsID available, gnomAD 0.003%). This variant has not been reported in the literature in individuals affected with DST-related conditions. ClinVar contains an entry for this variant (Variation ID: 660766). An algorithm developed to predict the effect of missense changes on protein structure and function (PolyPhen-2) suggests that this variant is likely to be disruptive. In summary, the available evidence is currently insufficient to determine the role of this variant in disease. Therefore, it has been classified as a Variant of Uncertain Significance.

NM_001723.7(DST):c.5179A>T (p.Thr1727Ser)

Gene: DST (dystonin; minus strand). Cytogenetic location: 6p12.1.
Variant type: single nucleotide variant.
Coding change: c.5179A>T on transcript NM_001723.7 (MANE Plus Clinical); coding-DNA position 5179, A replaced by T.
Protein change: p.Thr1727Ser; replaces threonine 1727 with serine.
Molecular consequence: missense variant. On other transcripts: intron variant (10).
Genome position (GRCh38, 1-based): chr6:56,618,855, T>A on the plus strand (A>T on the coding strand, the complement: DST is on the minus strand). VCF-style: chr6-56618855-T-A. GRCh37 (hg19) VCF-style: chr6-56483653-T-A.
Other names: c.4831-4371A>T (NM_001144769.5); c.4930-4371A>T (NM_001374722.1, NM_001374736.1); c.4957-4371A>T (NM_001374734.1); c.4417-4371A>T (NM_001144770.2); c.4297-4371A>T (NM_001374730.1, NM_001386100.1, NM_183380.4 and 1 more transcripts); c.3319-4371A>T (NM_015548.5); short protein forms T1727S.
Identifiers: ClinVar variation 660766 (VCV000660766.8), dbSNP rs1295993788, ClinGen allele CA3870399.